The following is an entry in ClinVar:

NM_000372.5(TYR):c.446A>C (p.Tyr149Ser)

Gene: TYR (tyrosinase; plus strand). Cytogenetic location: 11q14.3.
Variant type: single nucleotide variant.
Coding change: c.446A>C on transcript NM_000372.5 (MANE Select); coding-DNA position 446, A replaced by C.
Protein change: p.Tyr149Ser; replaces tyrosine 149 with serine.
Molecular consequence: missense variant.
Genome position (GRCh38, 1-based): chr11:89,178,399, A>C. VCF-style: chr11-89178399-A-C. GRCh37 (hg19) VCF-style: chr11-88911567-A-C.
Other names: short protein forms Y149S.
Identifiers: ClinVar variation 1901265 (VCV001901265.4), dbSNP rs797046082, ClinGen allele CA382034419.

ClinVar aggregate classification (germline): Uncertain significance. Review status: criteria provided, multiple submitters, no conflicts (2 of 4 stars). 3 submissions from 3 submitters: Uncertain significance (3). Last evaluated 2025-03-05.

Allele frequency attached by ClinVar (database versions not stated): gnomAD 0.00001.
gnomAD v4.1: 1 of 1,614,076 alleles (0.000062%); highest among the groups gnomAD compares: Non-Finnish European, 0.000085%; no homozygotes.

Submissions (3):

Women's Health and Genetics/Laboratory Corporation of America, LabCorp
Classification: Uncertain significance. Last evaluated: 2025-03-05. Review status: criteria provided, single submitter. Criteria: LabCorp Variant Classification Summary - May 2015. Collection method: clinical testing. Allele origin: germline.
Comment: Variant summary: TYR c.446A>C (p.Tyr149Ser) results in a non-conservative amino acid change in the encoded protein sequence. Five of five in-silico tools predict a damaging effect of the variant on protein function. The variant was absent in 251434 control chromosomes. The available data on variant occurrences in the general population are insufficient to allow any conclusion about variant significance. c.446A>C has been reported in the literature in individuals affected with Oculocutaneous Albinism, however, they also carried a second homozygous pathogenic variant in the TYR gene : c.346C>T, p.Arg116* suggesting a benign role for c.44A>C (Ashaat_2024). These report(s) do not provide unequivocal conclusions about association of the variant with Oculocutaneous Albinism. To our knowledge, no experimental evidence demonstrating an impact on protein function has been reported. The following publication has been ascertained in the context of this evaluation (PMID: 39251934). ClinVar contains an entry for this variant (Variation ID: 1901265). Based on the evidence outlined above, the variant was classified as uncertain significance.

Blueprint Genetics
Classification: Uncertain significance. Last evaluated: 2024-10-23. Review status: criteria provided, single submitter. Criteria: ACMG Guidelines, 2015. Collection method: clinical testing. Allele origin: germline.

Labcorp Genetics (formerly Invitae), Labcorp
Classification: Uncertain significance. Last evaluated: 2022-09-07. Review status: criteria provided, single submitter. Criteria: Invitae Variant Classification Sherloc (09022015). Collection method: clinical testing. Allele origin: germline.
Comment: This sequence change replaces tyrosine, which is neutral and polar, with serine, which is neutral and polar, at codon 149 of the TYR protein (p.Tyr149Ser). This variant is present in population databases (no rsID available, gnomAD 0.007%). This variant has not been reported in the literature in individuals affected with TYR-related conditions. Advanced modeling of protein sequence and biophysical properties (such as structural, functional, and spatial information, amino acid conservation, physicochemical variation, residue mobility, and thermodynamic stability) performed at Invitae indicates that this missense variant is expected to disrupt TYR protein function. In summary, the available evidence is currently insufficient to determine the role of this variant in disease. Therefore, it has been classified as a Variant of Uncertain Significance.

Literature cited by the submitters: PubMed 39251934 (cited by Women's Health and Genetics/Laboratory Corporation of America, LabCorp).